The following is an entry in ClinVar:

ClinVar aggregate classification (germline): Conflicting classifications of pathogenicity. Review status: criteria provided, conflicting classifications (1 of 4 stars). 4 submissions from 4 submitters: Uncertain significance (3); Likely benign (1). Last evaluated 2025-05-29.

Conditions:
Hereditary cancer-predisposing syndrome. Also called: Neoplastic Syndromes, Hereditary; Hereditary Cancer Syndrome; Hereditary neoplastic syndrome; Tumor predisposition. Identifiers: Orphanet 140162, MedGen C0027672, MeSH D009386, MONDO:0015356.
Familial cancer of breast. Also called: hereditary breast carcinoma; BREAST CANCER, FAMILIAL; Hereditary breast cancer. Identifiers: Orphanet 227535, MedGen C0346153, MONDO:0016419, OMIM 114480. Disease mechanism: loss of function.
Ataxia-telangiectasia syndrome (AT). Also called: ATAXIA-TELANGIECTASIA, COMPLEMENTATION GROUP A; ATAXIA-TELANGIECTASIA, FRESNO VARIANT; Ataxia-telangiectasia, complementation group E; Ataxia telangiectasia (A-T); LOUIS-BAR SYNDROME; Cerebello-oculocutaneous telangiectasia. Identifiers: Orphanet 100, MedGen C0004135, MONDO:0008840, OMIM 208900.

gnomAD v4.1: 5 of 1,613,320 alleles (0.00031%); highest among the groups gnomAD compares: African/African-American, 0.0027%; no homozygotes.

Submissions (4):

Ambry Genetics
Classification: Likely benign for Hereditary cancer-predisposing syndrome. Last evaluated: 2025-05-29. Review status: criteria provided, single submitter. Criteria: Ambry Variant Classification Scheme 2023. Collection method: clinical testing. Allele origin: germline.

Baylor Genetics
Classification: Uncertain significance for Familial cancer of breast. Last evaluated: 2024-02-22. Review status: criteria provided, single submitter. Criteria: ACMG Guidelines, 2015. Collection method: clinical testing. Allele origin: unknown.

Labcorp Genetics (formerly Invitae), Labcorp
Classification: Uncertain significance for Ataxia-telangiectasia syndrome. Last evaluated: 2023-07-07. Review status: criteria provided, single submitter. Criteria: Invitae Variant Classification Sherloc (09022015). Collection method: clinical testing. Allele origin: germline.
Comment: This variant has not been reported in the literature in individuals affected with ATM-related conditions. In summary, the available evidence is currently insufficient to determine the role of this variant in disease. Therefore, it has been classified as a Variant of Uncertain Significance. An algorithm developed to predict the effect of missense changes on protein structure and function (PolyPhen-2) suggests that this variant is likely to be tolerated. ClinVar contains an entry for this variant (Variation ID: 827428). This variant is not present in population databases (gnomAD no frequency). This sequence change replaces histidine, which is basic and polar, with tyrosine, which is neutral and polar, at codon 269 of the ATM protein (p.His269Tyr).

Women's Health and Genetics/Laboratory Corporation of America, LabCorp
Classification: Uncertain significance. Last evaluated: 2022-12-10. Review status: criteria provided, single submitter. Criteria: LabCorp Variant Classification Summary - May 2015. Collection method: clinical testing. Allele origin: germline.

NM_000051.4(ATM):c.805C>T (p.His269Tyr)

Gene: ATM (ATM serine/threonine kinase; plus strand). Cytogenetic location: 11q22.3.
Variant type: single nucleotide variant.
Coding change: c.805C>T on transcript NM_000051.4 (MANE Select); coding-DNA position 805, C replaced by T.
Protein change: p.His269Tyr; replaces histidine 269 with tyrosine.
Molecular consequence: missense variant.
Genome position (GRCh38, 1-based): chr11:108,244,930, C>T. VCF-style: chr11-108244930-C-T. GRCh37 (hg19) VCF-style: chr11-108115657-C-T.
Other names: c.805C>T, p.His269Tyr (NM_001351834.2); short protein forms H269Y.
Identifiers: ClinVar variation 827428 (VCV000827428.13), dbSNP rs1591504278, ClinGen allele CA382529382.